The following is an entry in ClinVar:

ClinVar aggregate classification (germline): Uncertain significance (1 of 4 stars; one submission).

Allele frequency attached by ClinVar (database versions not stated): gnomAD exomes below 0.00001; TOPMed 0.00002.
gnomAD v4.1: 3 of 1,613,088 alleles (0.00019%); highest among the groups gnomAD compares: African/African-American, 0.004%; no homozygotes.

Submission:

Labcorp Genetics (formerly Invitae), Labcorp
Classification: Uncertain significance. Last evaluated: 2022-11-10. Review status: criteria provided, single submitter. Criteria: Invitae Variant Classification Sherloc (09022015). Collection method: clinical testing. Allele origin: germline.
Comment: In summary, the available evidence is currently insufficient to determine the role of this variant in disease. Therefore, it has been classified as a Variant of Uncertain Significance. Algorithms developed to predict the effect of missense changes on protein structure and function are either unavailable or do not agree on the potential impact of this missense change (SIFT: "Deleterious"; PolyPhen-2: "Probably Damaging"; Align-GVGD: "Class C0"). This missense change has been observed in individual(s) with HMCN1-related conditions (Invitae). This variant is present in population databases (no rsID available, gnomAD 0.007%). This sequence change replaces threonine, which is neutral and polar, with isoleucine, which is neutral and non-polar, at codon 1160 of the HMCN1 protein (p.Thr1160Ile).

NM_031935.3(HMCN1):c.3479C>T (p.Thr1160Ile)

Gene: HMCN1 (hemicentin 1; plus strand). Cytogenetic location: 1q31.1.
Variant type: single nucleotide variant.
Coding change: c.3479C>T on transcript NM_031935.3 (MANE Select); coding-DNA position 3479, C replaced by T.
Protein change: p.Thr1160Ile; replaces threonine 1160 with isoleucine.
Molecular consequence: missense variant.
Genome position (GRCh38, 1-based): chr1:185,993,283, C>T. VCF-style: chr1-185993283-C-T. GRCh37 (hg19) VCF-style: chr1-185962415-C-T.
Other names: short protein forms T1160I.
Identifiers: ClinVar variation 2997092 (VCV002997092.3), dbSNP rs1352432804, ClinGen allele CA343870170.